The following is an entry in ClinVar:

NM_178857.6(RP1L1):c.4745G>A (p.Arg1582Gln)

Gene: RP1L1 (RP1 like 1). Cytogenetic location: 8p23.1.
Variant type: single nucleotide variant.
Coding change: c.4745G>A on transcript NM_178857.6 (MANE Select); coding-DNA position 4745, G replaced by A.
Protein change: p.Arg1582Gln; replaces arginine 1582 with glutamine.
Molecular consequence: missense variant.
Genome position (GRCh38, 1-based): chr8:10,609,353, C>T on the plus strand (G>A on the coding strand, the complement: RP1L1 is on the minus strand). VCF-style: chr8-10609353-C-T. GRCh37 (hg19) VCF-style: chr8-10466863-C-T.
Other names: short protein forms R1582Q.
Identifiers: ClinVar variation 4990785 (VCV004990785.1).

ClinVar aggregate classification (germline): Uncertain significance (1 of 4 stars; one submission).

Conditions:
RP1L1-related disorder. Also called: RP1L1-related condition.

gnomAD v4.1: 29 of 1,612,280 alleles (0.0018%); highest among the groups gnomAD compares: South Asian, 0.014%; no homozygotes.

Submission:

PreventionGenetics, part of Exact Sciences
Classification: Uncertain significance for RP1L1-related condition. Last evaluated: 2025-05-01. Review status: criteria provided, single submitter. Criteria: ACMG Guidelines, 2015. Collection method: clinical testing. Allele origin: germline.
Comment: The RP1L1 c.4745G>A variant is predicted to result in the amino acid substitution p.Arg1582Gln. To our knowledge, this variant has not been reported in the literature. This variant is reported in 0.0098% of alleles in individuals of South Asian descent in gnomAD. At this time, the clinical significance of this variant is uncertain due to the absence of conclusive functional and genetic evidence.